The following is an entry in ClinVar:

ClinVar aggregate classification (germline): Conflicting classifications of pathogenicity. Review status: criteria provided, conflicting classifications (1 of 4 stars). 5 submissions from 5 submitters: Likely pathogenic (3); Uncertain significance (2). Last evaluated 2026-01-22.

Conditions:
Tyrosinase-positive oculocutaneous albinism (OCA2). Also called: Albinism, oculocutaneous, type II; Oculocutaneous albinism type 2; ALBINISM II. Identifiers: Orphanet 79432, MedGen C0268495, MONDO:0008746, OMIM 203200.
SKIN/HAIR/EYE PIGMENTATION 1, BLUE/NONBLUE EYES (SHEP1). Also called: SKIN/HAIR/EYE PIGMENTATION 1, BLOND/BROWN HAIR; SKIN/HAIR/EYE PIGMENTATION 1, BLUE/BROWN EYES; BROWN EYE COLOR 2; EYE COLOR 3; EYE COLOR, BLUE/NONBLUE; EYE COLOR, BROWN/BLUE. Identifiers: MedGen C1856895, OMIM 227220.

Allele frequency attached by ClinVar (database versions not stated): gnomAD exomes below 0.00001 and 0.00001.
gnomAD v4.1: 2 of 1,614,242 alleles (0.00012%); highest among the groups gnomAD compares: East Asian, 0.0045%; no homozygotes.

Submissions (5):

Myriad Genetics, Inc.
Classification: Likely pathogenic for Tyrosinase-positive oculocutaneous albinism. Last evaluated: 2026-01-22. Review status: criteria provided, single submitter. Criteria: Myriad Autosomal Dominant, Autosomal Recessive and X-Linked Classification Criteria (2023). Collection method: clinical testing. Allele origin: unknown.
Comment: NM_000275.2(OCA2):c.535A>G(K179E) is a missense variant classified as likely pathogenic in the context of oculocutaneous albinism, OCA2-related. K179E has been observed in cases with relevant disease (PMID: 34838614, 31229681, 31356463, 25119903). Relevant functional assessments of this variant are not available in the literature. K179E has been observed in referenced population frequency databases. In summary, NM_000275.2(OCA2):c.535A>G(K179E) is a missense variant that has been observed more frequently in cases with the relevant disease than in healthy populations. Please note: this variant was assessed in the context of healthy population screening.

3billion
Classification: Uncertain significance for Tyrosinase-positive oculocutaneous albinism. Last evaluated: 2024-08-16. Review status: criteria provided, single submitter. Criteria: ACMG Guidelines, 2015. Collection method: clinical testing. Allele origin: germline. Affected: yes.
Comment: The variant is observed at an extremely low frequency in the gnomAD v4.0.0 dataset (total allele frequency: <0.001%). Predicted Consequence/Location: Missense variant In silico tool predictions suggest damaging effect of the variant on gene or gene product [3Cnet: 0.62 (>=0.6, sensitivity 0.72 and precision 0.9)]. The same nucleotide change resulting in the same amino acid change has been previously reported to be associated with OCA2 related disorder (ClinVar ID: VCV000436096 /PMID: 25119903). However, the evidence of pathogenicity is insufficient at this time. Therefore, this variant is classified as VUS according to the recommendation of ACMG/AMP guideline.

Labcorp Genetics (formerly Invitae), Labcorp
Classification: Likely pathogenic. Last evaluated: 2024-02-23. Review status: criteria provided, single submitter. Criteria: Invitae Variant Classification Sherloc (09022015). Collection method: clinical testing. Allele origin: germline.
Comment: This sequence change replaces lysine, which is basic and polar, with glutamic acid, which is acidic and polar, at codon 179 of the OCA2 protein (p.Lys179Glu). This variant is present in population databases (no rsID available, gnomAD 0.01%). This missense change has been observed in individuals with albinism (PMID: 25119903, 34838614). It has also been observed to segregate with disease in related individuals. ClinVar contains an entry for this variant (Variation ID: 436096). Advanced modeling of protein sequence and biophysical properties (such as structural, functional, and spatial information, amino acid conservation, physicochemical variation, residue mobility, and thermodynamic stability) performed at Invitae indicates that this missense variant is expected to disrupt OCA2 protein function with a positive predictive value of 80%. In summary, the currently available evidence indicates that the variant is pathogenic, but additional data are needed to prove that conclusively. Therefore, this variant has been classified as Likely Pathogenic.

Baylor Genetics
Classification: Likely pathogenic for SKIN/HAIR/EYE PIGMENTATION 1, BLUE/NONBLUE EYES. Last evaluated: 2023-12-15. Review status: criteria provided, single submitter. Criteria: ACMG Guidelines, 2015. Collection method: clinical testing. Allele origin: unknown.

Genetic Services Laboratory, University of Chicago
Classification: Uncertain significance. Last evaluated: 2016-02-26. Review status: criteria provided, single submitter. Criteria: ACMG Guidelines, 2015. Collection method: clinical testing. Allele origin: germline. Affected: no.

Literature cited by the submitters: PubMed 25119903 (cited by 3 submitters); PubMed 31229681 (cited by Myriad Genetics, Inc.); PubMed 31356463 (cited by Myriad Genetics, Inc.); PubMed 34838614 (cited by Myriad Genetics, Inc. and Labcorp Genetics (formerly Invitae), Labcorp).

NM_000275.3(OCA2):c.535A>G (p.Lys179Glu)

Gene: OCA2 (OCA2 melanosomal transmembrane protein; minus strand). Cytogenetic location: 15q13.1.
Variant type: single nucleotide variant.
Coding change: c.535A>G on transcript NM_000275.3 (MANE Select); coding-DNA position 535, A replaced by G.
Protein change: p.Lys179Glu; replaces lysine 179 with glutamic acid.
Molecular consequence: missense variant.
Genome position (GRCh38, 1-based): chr15:28,024,883, T>C on the plus strand (A>G on the coding strand, the complement: OCA2 is on the minus strand). VCF-style: chr15-28024883-T-C. GRCh37 (hg19) VCF-style: chr15-28270029-T-C.
Other names: c.535A>G, p.Lys179Glu (NM_001300984.2); short protein forms K179E.
Identifiers: ClinVar variation 436096 (VCV000436096.11), dbSNP rs1277911369, ClinGen allele CA391361583.